The following is an entry in ClinVar:

NM_001367823.1(ARHGEF18):c.2629A>G (p.Ser877Gly)

Gene: ARHGEF18 (Rho/Rac guanine nucleotide exchange factor 18; plus strand). Cytogenetic location: 19p13.2.
Variant type: single nucleotide variant.
Coding change: c.2629A>G on transcript NM_001367823.1 (MANE Select); coding-DNA position 2629, A replaced by G.
Protein change: p.Ser877Gly; replaces serine 877 with glycine.
Molecular consequence: missense variant.
Genome position (GRCh38, 1-based): chr19:7,462,328, A>G. VCF-style: chr19-7462328-A-G. GRCh37 (hg19) VCF-style: chr19-7527214-A-G.
Other names: c.1903A>G, p.Ser635Gly (NM_001130955.2); c.1591A>G, p.Ser531Gly (NM_001367824.1, NM_015318.4); short protein forms S531G, S635G, S877G.
Identifiers: ClinVar variation 2133802 (VCV002133802.4), dbSNP rs2512316945, ClinGen allele CA403081488.

ClinVar aggregate classification (germline): Uncertain significance (1 of 4 stars; one submission).

Allele frequency attached by ClinVar (database versions not stated): gnomAD exomes below 0.00001.

Submission:

Labcorp Genetics (formerly Invitae), Labcorp
Classification: Uncertain significance. Last evaluated: 2022-05-16. Review status: criteria provided, single submitter. Criteria: Invitae Variant Classification Sherloc (09022015). Collection method: clinical testing. Allele origin: germline.
Comment: In summary, the available evidence is currently insufficient to determine the role of this variant in disease. Therefore, it has been classified as a Variant of Uncertain Significance. Algorithms developed to predict the effect of missense changes on protein structure and function are either unavailable or do not agree on the potential impact of this missense change (SIFT: "Deleterious"; PolyPhen-2: "Benign"; Align-GVGD: "Class C0"). This variant has not been reported in the literature in individuals affected with ARHGEF18-related conditions. This variant is not present in population databases (gnomAD no frequency). This sequence change replaces serine, which is neutral and polar, with glycine, which is neutral and non-polar, at codon 689 of the ARHGEF18 protein (p.Ser689Gly).